The following is an entry in ClinVar:

NM_177924.5(ASAH1):c.1004C>T (p.Thr335Met)

Gene: ASAH1 (N-acylsphingosine amidohydrolase 1; minus strand). Cytogenetic location: 8p22.
Variant type: single nucleotide variant.
Coding change: c.1004C>T on transcript NM_177924.5 (MANE Select); coding-DNA position 1004, C replaced by T.
Protein change: p.Thr335Met; replaces threonine 335 with methionine.
Molecular consequence: missense variant.
Genome position (GRCh38, 1-based): chr8:18,059,378, G>A on the plus strand (C>T on the coding strand, the complement: ASAH1 is on the minus strand). VCF-style: chr8-18059378-G-A. GRCh37 (hg19) VCF-style: chr8-17916887-G-A.
Other names: p.Thr335Met; c.1052C>T (NM_004315.5); c.986C>T, p.Thr329Met (NM_001127505.3); c.809C>T, p.Thr270Met (NM_001363743.2); c.1052C>T, p.Thr351Met (NM_004315.6); short protein forms T270M, T329M, T351M, T335M.
Identifiers: ClinVar variation 691802 (VCV000691802.29), dbSNP rs147233112, ClinGen allele CA4650600.
Genomic context (GRCh38, chr8:18,059,378, plus strand): 5'-TATAGATGACCCTGCAAAGGTACCTCTTGGCTGGTGCGGTTCAGACACATCTTTGCAGGC[G>A]TTCTGCGATCATCAAGGAAGAAGGGATGTTTCCAACGGTCATAATTTGTTTGTACCACAT-3'
Protein context (NP_808592.2, residues 325-345): KHPFFLDDRR[Thr335Met]PAKMCLNRTS

ClinVar aggregate classification (germline): Conflicting classifications of pathogenicity. Review status: criteria provided, conflicting classifications (1 of 4 stars). 10 submissions from 10 submitters: Uncertain significance (4); Likely benign (2). 4 of the submissions do not count toward it. Last evaluated 2026-02-02.

Conditions:
Farber lipogranulomatosis (FRBRL). Also called: Farber's lipogranulomatosis; AC DEFICIENCY; ACID CERAMIDASE DEFICIENCY; CERAMIDASE DEFICIENCY; N-LAURYLSPHINGOSINE DEACYLASE DEFICIENCY; Farber's disease. Identifiers: Orphanet 333, MedGen C0268255, MONDO:0009218, OMIM 228000.
ASAH1-related disorders. Also called: ASAH1-related condition; ASAH1-related disorder. Identifiers: MedGen CN376120, MONDO:0800460.

Allele frequency attached by ClinVar (database versions not stated): gnomAD exomes 0.00084 and 0.00105; ExAC 0.00099; TOPMed 0.00147; gnomAD 0.00148 and 0.00158; 1000 Genomes Project 0.00200; ESP Exome Variant Server 0.00238; 1000 Genomes Project 30x 0.00250.
gnomAD v4.1: 1,753 of 1,614,174 alleles (0.11%); highest among the groups gnomAD compares: African/African-American, 0.36%; 1 homozygote.

Submissions (10):

Labcorp Genetics (formerly Invitae), Labcorp
Classification: Likely benign. Last evaluated: 2026-02-02. Review status: criteria provided, single submitter. Criteria: Invitae Variant Classification Sherloc (09022015). Collection method: clinical testing. Allele origin: germline.

GeneDx
Classification: Uncertain significance. Last evaluated: 2025-12-04. Review status: criteria provided, single submitter. Criteria: GeneDx Variant Classification Process June 2021. Collection method: clinical testing. Allele origin: germline. Affected: yes.
Comment: Reported as T351M due to the use of alternative nomenclature in an individual with Parkinson disease; however, additional clinical information was not provided and a second ASAH1 variant was not described (PMID: 29140481); In silico analysis supports that this missense variant has a deleterious effect on protein structure/function; This variant is associated with the following publications: (PMID: 29140481)

Mayo Clinic Laboratories, Mayo Clinic
Classification: Uncertain significance. Last evaluated: 2025-10-31. Review status: criteria provided, single submitter. Criteria: ACMG Guidelines, 2015. Collection method: clinical testing. Allele origin: germline. Observed: 5 variant alleles.

Blueprint Genetics
Classification: Likely benign. Last evaluated: 2024-11-21. Review status: criteria provided, single submitter. Criteria: ACMG Guidelines, 2015. Collection method: clinical testing. Allele origin: germline.

ARUP Laboratories, Molecular Genetics and Genomics, ARUP Laboratories
Classification: Uncertain significance. Last evaluated: 2024-11-06. Review status: criteria provided, single submitter. Criteria: ARUP Molecular Germline Variant Investigation Process 2024. Collection method: clinical testing. Allele origin: germline.

Illumina Laboratory Services, Illumina
Classification: Uncertain significance for Farber lipogranulomatosis. Last evaluated: 2018-01-13. Review status: criteria provided, single submitter. Criteria: ICSL Variant Classification Criteria 13 December 2019. Collection method: clinical testing. Allele origin: germline.

PreventionGenetics, part of Exact Sciences
Classification: Likely benign for ASAH1-related condition. Last evaluated: 2022-02-11. Review status: no assertion criteria provided. Collection method: clinical testing. Allele origin: germline. Not counted in ClinVar's aggregate classification.
Comment: This variant is classified as likely benign based on ACMG/AMP sequence variant interpretation guidelines (Richards et al. 2015 PMID: 25741868, with internal and published modifications).

Clinical Genetics DNA and cytogenetics Diagnostics Lab, Erasmus MC, Erasmus Medical Center
Classification: Uncertain significance. Review status: no assertion criteria provided. Collection method: clinical testing. Allele origin: germline. Affected: yes. Study: VKGL Data-share Consensus. Not counted in ClinVar's aggregate classification.

Clinical Genetics, Academic Medical Center
Classification: Uncertain significance. Review status: no assertion criteria provided. Collection method: clinical testing. Allele origin: germline. Affected: yes. Study: VKGL Data-share Consensus. Not counted in ClinVar's aggregate classification.

Diagnostic Laboratory, Department of Genetics, University Medical Center Groningen
Classification: Uncertain significance. Review status: no assertion criteria provided. Collection method: clinical testing. Allele origin: germline. Affected: yes. Study: VKGL Data-share Consensus. Not counted in ClinVar's aggregate classification.